The following is an entry in ClinVar:

ClinVar aggregate classification (germline): Uncertain significance. Review status: criteria provided, multiple submitters, no conflicts (2 of 4 stars). 2 submissions from 2 submitters: Uncertain significance (2). Last evaluated 2024-12-13.

Allele frequency attached by ClinVar (database versions not stated): gnomAD 0.00002 and 0.00003; TOPMed 0.00002; ExAC 0.00003; 1000 Genomes Project 0.00020; 1000 Genomes Project 30x 0.00031.
gnomAD v4.1: 22 of 1,613,722 alleles (0.0014%); highest among the groups gnomAD compares: South Asian, 0.0088%; no homozygotes.

Submissions (2):

GeneDx
Classification: Uncertain significance. Last evaluated: 2024-12-13. Review status: criteria provided, single submitter. Criteria: GeneDx Variant Classification Process June 2021. Collection method: clinical testing. Allele origin: germline. Affected: yes.
Comment: In silico analysis indicates that this missense variant does not alter protein structure/function; Has not been previously published as pathogenic or benign to our knowledge

Labcorp Genetics (formerly Invitae), Labcorp
Classification: Uncertain significance. Last evaluated: 2021-04-05. Review status: criteria provided, single submitter. Criteria: Invitae Variant Classification Sherloc (09022015). Collection method: clinical testing. Allele origin: germline.
Comment: In summary, the available evidence is currently insufficient to determine the role of this variant in disease. Therefore, it has been classified as a Variant of Uncertain Significance. Algorithms developed to predict the effect of missense changes on protein structure and function output the following: SIFT: "Not Available"; PolyPhen-2: "Benign"; Align-GVGD: "Not Available". The valine amino acid residue is found in multiple mammalian species, suggesting that this missense change does not adversely affect protein function. These predictions have not been confirmed by published functional studies and their clinical significance is uncertain. This variant has not been reported in the literature in individuals with EPS8-related conditions. This variant is present in population databases (rs576654038, ExAC 0.01%). This sequence change replaces alanine with valine at codon 219 of the EPS8 protein (p.Ala219Val). The alanine residue is weakly conserved and there is a small physicochemical difference between alanine and valine.

NM_004447.6(EPS8):c.656C>T (p.Ala219Val)

Gene: EPS8 (EGFR pathway substrate 8, signaling adaptor; minus strand). Cytogenetic location: 12p12.3.
Variant type: single nucleotide variant.
Coding change: c.656C>T on transcript NM_004447.6 (MANE Select); coding-DNA position 656, C replaced by T.
Protein change: p.Ala219Val; replaces alanine 219 with valine.
Molecular consequence: missense variant.
Genome position (GRCh38, 1-based): chr12:15,665,836, G>A on the plus strand (C>T on the coding strand, the complement: EPS8 is on the minus strand). VCF-style: chr12-15665836-G-A. GRCh37 (hg19) VCF-style: chr12-15818770-G-A.
Other names: c.656C>T (NM_004447.5); short protein forms A219V.
Identifiers: ClinVar variation 1385032 (VCV001385032.7), dbSNP rs576654038, ClinGen allele CA6467801.
Genomic context (GRCh38, chr12:15,665,836, plus strand): 5'-CATGCAGACCAGGCTGCCACTCGACTTCTAACATCCACCTGGGTGACGGTCCCAGGGGGC[G>A]CAGGGGCAGGAGCTCTGGGTGGAGGCGGTATACTAGGGTCTGCATTGGAAATCATCCTTA-3'
Protein context (NP_004438.3, residues 209-229): IPPPPRAPAP[Ala219Val]PPGTVTQVDV